The following is an entry in ClinVar:

NM_001448.3(GPC4):c.1623C>G (p.Leu541=)

Gene: GPC4 (glypican 4; minus strand). Cytogenetic location: Xq26.2.
Variant type: single nucleotide variant.
Coding change: c.1623C>G on transcript NM_001448.3 (MANE Select); coding-DNA position 1623, C replaced by G.
Protein change: p.Leu541=; no amino-acid change (leucine 541 retained).
Molecular consequence: synonymous variant.
Genome position (GRCh38, 1-based): chrX:133,302,915, G>C on the plus strand (C>G on the coding strand, the complement: GPC4 is on the minus strand). VCF-style: chrX-133302915-G-C. GRCh37 (hg19) VCF-style: chrX-132436943-G-C.
Identifiers: ClinVar variation 2661465 (VCV002661465.24), dbSNP rs2068272893, ClinGen allele CA518851999.

ClinVar aggregate classification (germline): Likely benign (1 of 4 stars; one submission).

Submission:

CeGaT Center for Human Genetics Tuebingen
Classification: Likely benign. Last evaluated: 2023-08-01. Review status: criteria provided, single submitter. Criteria: CeGaT Center For Human Genetics Tuebingen Variant Classification Criteria Version 2. Collection method: clinical testing. Allele origin: germline. Affected: yes. Observed: 1 variant allele.
Comment: GPC4: PM2:Supporting, BP4, BP7